The following is an entry in ClinVar:

NC_000005.9:g.(?_13823362)_(13944557_?)del

Gene: DNAH5 (dynein axonemal heavy chain 5; minus strand). Cytogenetic location: 5p15.2.
Variant type: Deletion.
Identifiers: ClinVar variation 2424137 (VCV002424137.12).

ClinVar aggregate classification (germline): Pathogenic (1 of 4 stars; one submission).

Conditions:
Primary ciliary dyskinesia. Also called: Ciliary dyskinesia. Identifiers: Orphanet 244, MedGen C0008780, MONDO:0016575, HP:0012265.

Submission:

Labcorp Genetics (formerly Invitae), Labcorp
Classification: Pathogenic for Primary ciliary dyskinesia. Last evaluated: 2022-08-20. Review status: criteria provided, single submitter. Criteria: Invitae Variant Classification Sherloc (09022015). Collection method: clinical testing. Allele origin: germline.
Comment: This variant has not been reported in the literature in individuals affected with DNAH5-related conditions. For these reasons, this variant has been classified as Pathogenic. This variant is a gross deletion of the genomic region encompassing exon(s) 1-40 of the DNAH5 gene, which includes the initiator codon. This deletion extends beyond the assayed region for this gene and therefore may encompass additional genes. It is expected to result in an absent or disrupted protein product. Loss-of-function variants in DNAH5 are known to be pathogenic (PMID: 11788826, 16627867).

Literature cited by the submitters: PubMed 11788826; PubMed 16627867.